The following is an entry in ClinVar:

ClinVar aggregate classification (germline): Uncertain significance. Review status: criteria provided, multiple submitters, no conflicts (2 of 4 stars). 3 submissions from 3 submitters: Uncertain significance (3). Last evaluated 2025-10-29.

Allele frequency attached by ClinVar (database versions not stated): gnomAD 0.00002 and 0.00003; TOPMed 0.00002.
gnomAD v4.1: 3 of 1,611,394 alleles (0.00019%); highest among the groups gnomAD compares: African/African-American, 0.004%; no homozygotes.

Submissions (3):

Ambry Genetics
Classification: Uncertain significance. Last evaluated: 2025-10-29. Review status: criteria provided, single submitter. Criteria: Ambry Variant Classification Scheme 2023. Collection method: clinical testing. Allele origin: germline.

GeneDx
Classification: Uncertain significance. Last evaluated: 2017-05-26. Review status: criteria provided, single submitter. Criteria: GeneDx Variant Classification (06012015). Collection method: clinical testing. Allele origin: germline. Affected: yes.
Comment: A variant of uncertain significance has been identified in the ISPD gene. The H326Q variant has not been published as a pathogenic variant, nor has it been reported as a benign variant to our knowledge. The H326Q variant is not observed in large population cohorts (Lek et al., 2016; 1000 Genomes Consortium et al., 2015; Exome Variant Server). The H326Q variant is a semi-conservative amino acid substitution, which may impact secondary protein structure as these residues differ in some properties. However, this substitution occurs at a position that is not conserved. In silico analysis predicts this variant likely does not alter the protein structure/function. Therefore, based on the currently available information, it is unclear whether this variant is a pathogenic variant or a rare benign variant.

Eurofins Ntd Llc (ga)
Classification: Uncertain significance. Last evaluated: 2016-10-04. Review status: criteria provided, single submitter. Criteria: EGL Classification Definitions 2015. Collection method: clinical testing. Allele origin: germline. Observed: 1 variant allele, 1 heterozygote.

NM_001101426.4(CRPPA):c.978T>A (p.His326Gln)

Genes: CRPPA (CDP-L-ribitol pyrophosphorylase A; minus strand), CRPPA-AS1 (CRPPA antisense RNA 1; plus strand). Cytogenetic location: 7p21.2.
Variant type: single nucleotide variant.
Coding change: c.978T>A on transcript NM_001101426.4 (MANE Select); coding-DNA position 978, T replaced by A.
Protein change: p.His326Gln; replaces histidine 326 with glutamine.
Molecular consequence: missense variant. On other transcripts: non-coding transcript variant (1).
Genome position (GRCh38, 1-based): chr7:16,258,968, A>T on the plus strand (T>A on the coding strand, the complement: CRPPA is on the minus strand). VCF-style: chr7-16258968-A-T. GRCh37 (hg19) VCF-style: chr7-16298593-A-T.
Other names: c.828T>A, p.His276Gln (NM_001101417.4); c.873T>A, p.His291Gln (NM_001368197.1); short protein forms H326Q, H291Q, H276Q.
Identifiers: ClinVar variation 432289 (VCV000432289.7), dbSNP rs901037542, ClinGen allele CA154745698.